The following is an entry in ClinVar:

NM_001735.3(C5):c.2257+1G>A

Gene: C5 (complement C5; minus strand). Cytogenetic location: 9q33.2.
Variant type: single nucleotide variant.
Coding change: c.2257+1G>A on transcript NM_001735.3 (MANE Select); the canonical splice donor site of the intron after coding-DNA position 2257, G replaced by A.
Molecular consequence: splice donor variant.
Genome position (GRCh38, 1-based): chr9:121,013,872, C>T on the plus strand (G>A on the coding strand, the complement: C5 is on the minus strand). VCF-style: chr9-121013872-C-T. GRCh37 (hg19) VCF-style: chr9-123776150-C-T.
Other names: c.2275+1G>A (NM_001317163.2); c.2257+1G>A (NM_001317164.2).
Identifiers: ClinVar variation 1488270 (VCV001488270.6), dbSNP rs750416999, ClinGen allele CA199379163.

ClinVar aggregate classification (germline): Likely pathogenic. Review status: criteria provided, multiple submitters, no conflicts (2 of 4 stars). 2 submissions from 2 submitters: Likely pathogenic (2). Last evaluated 2022-04-18.

Conditions:
Complement component 5 deficiency. Also called: C5 DEFICIENCY. Identifiers: MedGen C0343047, MONDO:0012295, OMIM 609536.
Eculizumab, poor response to. Identifiers: MedGen C3810402, OMIM 615749.

Allele frequency attached by ClinVar (database versions not stated): gnomAD 0.00001; gnomAD exomes 0.00001; TOPMed 0.00001.
gnomAD v4.1: 17 of 1,613,200 alleles (0.0011%); highest among the groups gnomAD compares: East Asian, 0.0045%; no homozygotes.

Submissions (2):

Fulgent Genetics
Classification: Likely pathogenic for Complement component 5 deficiency; Eculizumab, poor response to. Last evaluated: 2022-04-18. Review status: criteria provided, single submitter. Criteria: ACMG Guidelines, 2015. Collection method: clinical testing. Allele origin: unknown.

Labcorp Genetics (formerly Invitae), Labcorp
Classification: Likely pathogenic. Last evaluated: 2021-07-13. Review status: criteria provided, single submitter. Criteria: Invitae Variant Classification Sherloc (09022015). Collection method: clinical testing. Allele origin: germline.
Comment: This sequence change affects a donor splice site in intron 17 of the C5 gene. It is expected to disrupt RNA splicing. Variants that disrupt the donor or acceptor splice site typically lead to a loss of protein function (PMID: 16199547), and loss-of-function variants in C5 are known to be pathogenic (PMID: 7730648, 19414197, 27026170). This variant is not present in population databases (ExAC no frequency). This variant has not been reported in the literature in individuals affected with C5-related conditions. Algorithms developed to predict the effect of sequence changes on RNA splicing suggest that this variant may disrupt the consensus splice site. In summary, the currently available evidence indicates that the variant is pathogenic, but additional data are needed to prove that conclusively. Therefore, this variant has been classified as Likely Pathogenic.

Literature cited by the submitters: PubMed 16199547 (cited by Labcorp Genetics (formerly Invitae), Labcorp); PubMed 7730648 (cited by Labcorp Genetics (formerly Invitae), Labcorp); PubMed 19414197 (cited by Labcorp Genetics (formerly Invitae), Labcorp); PubMed 27026170 (cited by Labcorp Genetics (formerly Invitae), Labcorp).